The following is an entry in ClinVar:

ClinVar aggregate classification (germline): Uncertain significance. Review status: criteria provided, multiple submitters, no conflicts (2 of 4 stars). 3 submissions from 3 submitters: Uncertain significance (3). Last evaluated 2024-05-19.

Conditions:
Cardiovascular phenotype. Identifiers: MedGen CN230736.
Hypertrophic cardiomyopathy 14. Identifiers: MedGen C2750467, MONDO:0013197, OMIM 613251.

Submissions (3):

Labcorp Genetics (formerly Invitae), Labcorp
Classification: Uncertain significance for Hypertrophic cardiomyopathy 14. Last evaluated: 2024-05-19. Review status: criteria provided, single submitter. Criteria: Invitae Variant Classification Sherloc (09022015). Collection method: clinical testing. Allele origin: germline.
Comment: This sequence change replaces proline, which is neutral and non-polar, with serine, which is neutral and polar, at codon 729 of the MYH6 protein (p.Pro729Ser). This variant is not present in population databases (gnomAD no frequency). This variant has not been reported in the literature in individuals affected with MYH6-related conditions. ClinVar contains an entry for this variant (Variation ID: 1308443). Advanced modeling of protein sequence and biophysical properties (such as structural, functional, and spatial information, amino acid conservation, physicochemical variation, residue mobility, and thermodynamic stability) performed at Invitae indicates that this missense variant is not expected to disrupt MYH6 protein function with a negative predictive value of 80%. In summary, the available evidence is currently insufficient to determine the role of this variant in disease. Therefore, it has been classified as a Variant of Uncertain Significance.

Ambry Genetics
Classification: Uncertain significance for Cardiovascular phenotype. Last evaluated: 2021-08-16. Review status: criteria provided, single submitter. Criteria: Ambry Variant Classification Scheme 2023. Collection method: clinical testing. Allele origin: germline.
Comment: The p.P729S variant (also known as c.2185C>T), located in coding exon 17 of the MYH6 gene, results from a C to T substitution at nucleotide position 2185. The proline at codon 729 is replaced by serine, an amino acid with similar properties. This amino acid position is conserved. In addition, this alteration is predicted to be tolerated by in silico analysis. Since supporting evidence is limited at this time, the clinical significance of this alteration remains unclear.

GeneDx
Classification: Uncertain significance. Last evaluated: 2019-04-15. Review status: criteria provided, single submitter. Criteria: GeneDx Variant Classification Process June 2021. Collection method: clinical testing. Allele origin: germline. Affected: yes.
Comment: Has not been previously published as pathogenic or benign to our knowledge; Not observed in large population cohorts (Lek et al., 2016); In silico analysis, which includes protein predictors and evolutionary conservation, supports a deleterious effect

NM_002471.4(MYH6):c.2185C>T (p.Pro729Ser)

Gene: MYH6 (myosin heavy chain 6; minus strand). Cytogenetic location: 14q11.2.
Variant type: single nucleotide variant.
Coding change: c.2185C>T on transcript NM_002471.4 (MANE Select); coding-DNA position 2185, C replaced by T.
Protein change: p.Pro729Ser; replaces proline 729 with serine.
Molecular consequence: missense variant.
Genome position (GRCh38, 1-based): chr14:23,396,801, G>A on the plus strand (C>T on the coding strand, the complement: MYH6 is on the minus strand). VCF-style: chr14-23396801-G-A. GRCh37 (hg19) VCF-style: chr14-23866010-G-A.
Other names: short protein forms P729S.
Identifiers: ClinVar variation 1308443 (VCV001308443.6), dbSNP rs2138604067, ClinGen allele CA389017275.